The following is an entry in ClinVar:

ClinVar aggregate classification (germline): Likely benign (0 of 4 stars; one submission).

Conditions:
PLXNA2-related disorder. Also called: PLXNA2-related condition.

Allele frequency attached by ClinVar (database versions not stated): TOPMed 0.00001; gnomAD exomes 0.00002.
gnomAD v4.1: 12 of 1,614,276 alleles (0.00074%); highest among the groups gnomAD compares: Middle Eastern, 0.016%; no homozygotes.

Submission:

PreventionGenetics, part of Exact Sciences
Classification: Likely benign for PLXNA2-related condition. Last evaluated: 2022-09-27. Review status: no assertion criteria provided. Collection method: clinical testing. Allele origin: germline.
Comment: This variant is classified as likely benign based on ACMG/AMP sequence variant interpretation guidelines (Richards et al. 2015 PMID: 25741868, with internal and published modifications).

NM_025179.4(PLXNA2):c.2223C>T (p.Leu741=)

Gene: PLXNA2 (plexin A2; minus strand). Cytogenetic location: 1q32.2.
Variant type: single nucleotide variant.
Coding change: c.2223C>T on transcript NM_025179.4 (MANE Select); coding-DNA position 2223, C replaced by T.
Protein change: p.Leu741=; no amino-acid change (leucine 741 retained).
Molecular consequence: synonymous variant.
Genome position (GRCh38, 1-based): chr1:208,084,455, G>A on the plus strand (C>T on the coding strand, the complement: PLXNA2 is on the minus strand). VCF-style: chr1-208084455-G-A. GRCh37 (hg19) VCF-style: chr1-208257800-G-A.
Identifiers: ClinVar variation 3036228 (VCV003036228.2), dbSNP rs932277283, ClinGen allele CA36700579.
Genomic context (GRCh38, chr1:208,084,455, plus strand): 5'-CTGAACGCTGGAGCTGTTGAAGCGCAGAGCGGGGACCCGGTGGATGGCTCCTTGTATGTT[G>A]AGGACACACTCATAGCCTCGCTGGCCGGACTGCGGCTGGGGCAGATTTCGCGCCTTAAGG-3'
Protein context (NP_079455.3, residues 731-751): QSGQRGYECV[Leu741=]NIQGAIHRVP